The following is an entry in ClinVar:

ClinVar aggregate classification (germline): Likely benign. Review status: criteria provided, single submitter (1 of 4 stars). 2 submissions from 2 submitters: Likely benign (1). 1 of the submissions does not count toward it. Last evaluated 2025-08-26.

Conditions:
LEPR-related disorder. Also called: LEPR-related disorders; LEPR-related condition.

Allele frequency attached by ClinVar (database versions not stated): gnomAD 0.00003; TOPMed 0.00007; 1000 Genomes Project 30x 0.00016; 1000 Genomes Project 0.00020.
gnomAD v4.1: 61 of 1,612,982 alleles (0.0038%); highest among the groups gnomAD compares: Admixed American, 0.1%; no homozygotes.

Submissions (2):

Labcorp Genetics (formerly Invitae), Labcorp
Classification: Likely benign. Last evaluated: 2025-08-26. Review status: criteria provided, single submitter. Criteria: Invitae Variant Classification Sherloc (09022015). Collection method: clinical testing. Allele origin: germline.

PreventionGenetics, part of Exact Sciences
Classification: Likely benign for LEPR-related condition. Last evaluated: 2022-04-13. Review status: no assertion criteria provided. Collection method: clinical testing. Allele origin: germline. Not counted in ClinVar's aggregate classification.
Comment: This variant is classified as likely benign based on ACMG/AMP sequence variant interpretation guidelines (Richards et al. 2015 PMID: 25741868, with internal and published modifications).

NM_002303.6(LEPR):c.695T>G (p.Ile232Arg)

Gene: LEPR (leptin receptor; plus strand). Cytogenetic location: 1p31.3.
Variant type: single nucleotide variant.
Coding change: c.695T>G on transcript NM_002303.6 (MANE Select); coding-DNA position 695, T replaced by G.
Protein change: p.Ile232Arg; replaces isoleucine 232 with arginine.
Molecular consequence: missense variant.
Genome position (GRCh38, 1-based): chr1:65,592,857, T>G. VCF-style: chr1-65592857-T-G. GRCh37 (hg19) VCF-style: chr1-66058540-T-G.
Other names: c.695T>G, p.Ile232Arg (NM_001003679.3, NM_001003680.3, NM_001198687.2 and 2 more transcripts); short protein forms I232R.
Identifiers: ClinVar variation 3053168 (VCV003053168.4), dbSNP rs200960432, ClinGen allele CA894615.
Genomic context (GRCh38, chr1:65,592,857, plus strand): 5'-GTTTGAAAATCACATCTGGTGGAGTAATTTTCCAGTCACCTCTAATGTCAGTTCAGCCCA[T>G]AAATATGGGTAAGTTATGCACTAAAATGATGATAATAGGTCTAAACATCAGTCATATATA-3'
Protein context (NP_002294.2, residues 222-242): FQSPLMSVQP[Ile232Arg]NMVKPDPPLG